The following is an entry in ClinVar:

NM_000038.6(APC):c.6596_6605del (p.Ile2199fs)

Gene: APC (APC regulator of Wnt signaling pathway; plus strand). Cytogenetic location: 5q22.2.
Variant type: Deletion.
Coding change: c.6596_6605del on transcript NM_000038.6 (MANE Select); coding-DNA positions 6596 to 6605, 10 bases deleted (TTACTGGAAA; older notation c.6596_6605delTTACTGGAAA).
Protein change: p.Ile2199fs; shifts the reading frame from isoleucine 2199.
Molecular consequence: frameshift variant.
Genome position (GRCh38, 1-based): chr5:112,842,190-112,842,199, TTACTGGAAA deleted; deleting any 10 consecutive bases within chr5:112,842,189-112,842,199 gives the same sequence; the c. name uses the placement nearest the transcript's 3' end. VCF-style (leftmost placement, unchanged base first): chr5-112842188-GATTACTGGAA-G. GRCh37 (hg19) VCF-style: chr5-112177885-GATTACTGGAA-G.
Other names: c.6596_6605del, p.Ile2199fs (NM_001127510.3, NM_001354895.2); c.6542_6551del, p.Ile2181fs (NM_001127511.3); c.6650_6659del, p.Ile2217fs (NM_001354896.2); c.6626_6635del, p.Ile2209fs (NM_001354897.2); c.6521_6530del, p.Ile2174fs (NM_001354898.2); c.6512_6521del, p.Ile2171fs (NM_001354899.2); c.6473_6482del, p.Ile2158fs (NM_001354900.2); c.6419_6428del, p.Ile2140fs (NM_001354901.2); and 5 more; short protein forms I2108fs, I2140fs, I1916fs, I2039fs, I2073fs, I2181fs, I2209fs, I2098fs.
Identifiers: ClinVar variation 657062 (VCV000657062.10), dbSNP rs1580672507, ClinGen allele CA915943517.
Genomic context (GRCh38, chr5:112,842,188, plus strand): 5'-TAAAAAGATAGAATCTGAAAGTAAAGGAATCAAAGGAGGAAAAAAAGTTTATAAAAGTTT[GATTACTGGAA>G]AAGTTCGATCTAATTCAGAAATTTCAGGCCAAATGAAACAGCCCCTTCAAGCAAACATGC-3'

ClinVar aggregate classification (germline): Pathogenic (1 of 4 stars; one submission).

Conditions:
Familial adenomatous polyposis 1 (FAP1). Also called: FAMILIAL ADENOMATOUS POLYPOSIS 1, ATTENUATED; POLYPOSIS, ADENOMATOUS INTESTINAL. Identifiers: MedGen C2713442, MONDO:0021056, OMIM 175100. Disease mechanism: loss of function.

Submission:

Labcorp Genetics (formerly Invitae), Labcorp
Classification: Pathogenic for Familial adenomatous polyposis 1. Last evaluated: 2018-12-28. Review status: criteria provided, single submitter. Criteria: Invitae Variant Classification Sherloc (09022015). Collection method: clinical testing. Allele origin: germline.
Comment: This variant has not been reported in the literature in individuals with APC-related conditions. This variant is not present in population databases (ExAC no frequency). This sequence change results in a premature translational stop signal in the APC gene (p.Ile2199Lysfs*12). While this is not anticipated to result in nonsense mediated decay, it is expected to disrupt the last 645 amino acids of the APC protein. This variant is expected to disrupt the EB1 and HDLG binding sites, which mediate interactions with the cytoskeleton (PMID: 15311282, 17293347). While functional studies have not been performed to directly test the effect on APC protein function, this suggests that disruption of the C-terminal portion of the protein is functionally important. For these reasons, this variant has been classified as Pathogenic. This variant disrupts the C-terminus of the APC protein. Other variant(s) that disrupt this region (p.Tyr2645Lysfs*14) have been determined to be pathogenic (PMID: 9824584, 1316610, 27081525, 8381579, 22135120). This suggests that variants that disrupt this region of the protein are likely to be causative of disease.

Literature cited by the submitters: PubMed 15311282; PubMed 17293347; PubMed 9824584; PubMed 1316610; PubMed 27081525; PubMed 8381579; PubMed 22135120.